The following is an entry in ClinVar:

NM_001166108.2(PALLD):c.137C>T (p.Ala46Val)

Gene: PALLD (palladin, cytoskeletal associated protein; plus strand). Cytogenetic location: 4q32.3.
Variant type: single nucleotide variant.
Coding change: c.137C>T on transcript NM_001166108.2 (MANE Select); coding-DNA position 137, C replaced by T.
Protein change: p.Ala46Val; replaces alanine 46 with valine.
Molecular consequence: missense variant.
Genome position (GRCh38, 1-based): chr4:168,511,641, C>T. VCF-style: chr4-168511641-C-T. GRCh37 (hg19) VCF-style: chr4-169432792-C-T.
Other names: c.137C>T, p.Ala46Val (NM_016081.4); short protein forms A46V.
Identifiers: ClinVar variation 1771251 (VCV001771251.2), dbSNP rs1380992269, ClinGen allele CA358724730.

ClinVar aggregate classification (germline): Uncertain significance (1 of 4 stars; one submission).

Submission:

Ambry Genetics
Classification: Uncertain significance. Last evaluated: 2021-12-18. Review status: criteria provided, single submitter. Criteria: Ambry Variant Classification Scheme 2023. Collection method: clinical testing. Allele origin: germline.
Comment: The p.A46V variant (also known as c.137C>T), located in coding exon 1 of the PALLD gene, results from a C to T substitution at nucleotide position 137. The alanine at codon 46 is replaced by valine, an amino acid with similar properties. This amino acid position is conserved. In addition, the in silico prediction for this alteration is inconclusive. Since supporting evidence is limited at this time, the clinical significance of this alteration remains unclear.